The following is an entry in ClinVar:

ClinVar aggregate classification (germline): Uncertain significance (1 of 4 stars; one submission).

Conditions:
KBG syndrome (KBGS). Also called: ANKRD11-Related KBG Syndrome. Identifiers: Orphanet 2332, MedGen C0220687, MONDO:0007846, OMIM 148050.

Submission:

Labcorp Genetics (formerly Invitae), Labcorp
Classification: Uncertain significance for KBG syndrome. Last evaluated: 2023-02-01. Review status: criteria provided, single submitter. Criteria: Invitae Variant Classification Sherloc (09022015). Collection method: clinical testing. Allele origin: germline.
Comment: In summary, the available evidence is currently insufficient to determine the role of this variant in disease. Therefore, it has been classified as a Variant of Uncertain Significance. Advanced modeling of protein sequence and biophysical properties (such as structural, functional, and spatial information, amino acid conservation, physicochemical variation, residue mobility, and thermodynamic stability) performed at Invitae indicates that this missense variant is not expected to disrupt ANKRD11 protein function. This variant has not been reported in the literature in individuals affected with ANKRD11-related conditions. This variant is not present in population databases (gnomAD no frequency). This sequence change replaces proline, which is neutral and non-polar, with alanine, which is neutral and non-polar, at codon 2352 of the ANKRD11 protein (p.Pro2352Ala).

NM_013275.6(ANKRD11):c.7054C>G (p.Pro2352Ala)

Gene: ANKRD11 (ankyrin repeat domain 11; minus strand). Cytogenetic location: 16q24.3.
Variant type: single nucleotide variant.
Coding change: c.7054C>G on transcript NM_013275.6 (MANE Select); coding-DNA position 7054, C replaced by G.
Protein change: p.Pro2352Ala; replaces proline 2352 with alanine.
Molecular consequence: missense variant.
Genome position (GRCh38, 1-based): chr16:89,279,488, G>C on the plus strand (C>G on the coding strand, the complement: ANKRD11 is on the minus strand). VCF-style: chr16-89279488-G-C. GRCh37 (hg19) VCF-style: chr16-89345896-G-C.
Other names: c.7054C>G, p.Pro2352Ala (NM_001256182.2, NM_001256183.2); short protein forms P2352A.
Identifiers: ClinVar variation 2833659 (VCV002833659.3), dbSNP rs2544219605, ClinGen allele CA397149423.